The following is an entry in ClinVar:

ClinVar aggregate classification (germline): Benign/Likely benign. Review status: criteria provided, multiple submitters, no conflicts (2 of 4 stars). 5 submissions from 5 submitters: Benign (4); Likely benign (1). Last evaluated 2026-01-27.

Allele frequency attached by ClinVar (database versions not stated): TOPMed 0.00607; ESP Exome Variant Server 0.00669; 1000 Genomes Project 0.00679; 1000 Genomes Project 30x 0.00703.
gnomAD v4.1: 1,890 of 1,613,476 alleles (0.12%); highest among the groups gnomAD compares: African/African-American, 1.9%; 18 homozygotes.

Submissions (5):

Labcorp Genetics (formerly Invitae), Labcorp
Classification: Benign. Last evaluated: 2026-01-27. Review status: criteria provided, single submitter. Criteria: Invitae Variant Classification Sherloc (09022015). Collection method: clinical testing. Allele origin: germline.

Blueprint Genetics
Classification: Likely benign. Last evaluated: 2024-10-09. Review status: criteria provided, single submitter. Criteria: ACMG Guidelines, 2015. Collection method: clinical testing. Allele origin: germline.

GeneDx
Classification: Benign. Last evaluated: 2019-01-14. Review status: criteria provided, single submitter. Criteria: GeneDx Variant Classification Process June 2021. Collection method: clinical testing. Allele origin: germline. Affected: yes.

Laboratory for Molecular Medicine, Mass General Brigham Personalized Medicine
Classification: Benign. Last evaluated: 2012-05-07. Review status: criteria provided, single submitter. Criteria: LMM Criteria. Collection method: clinical testing. Allele origin: germline. Observed: 9 variant alleles.
Comment: "Ser602Ser in Exon 16 of GRHL2: This variant is not expected to have clinical si gnificance because it does not alter an amino acid residue, is not located withi n the splice consensus sequence, and has been identified in 1.7% (64/3738) of Af rican American chromosomes from a broad population by the NHLBI Exome Sequencing Project (dbSNP rs61732855)."

Breakthrough Genomics
Classification: Benign. Review status: criteria provided, single submitter. Criteria: ACMG Guidelines, 2015. Collection method: not provided. Allele origin: germline. Inheritance: Autosomal recessive inheritance. Affected: yes.

NM_024915.4(GRHL2):c.1806G>C (p.Ser602=)

Gene: GRHL2 (grainyhead like transcription factor 2; plus strand). Cytogenetic location: 8q22.3.
Variant type: single nucleotide variant.
Coding change: c.1806G>C on transcript NM_024915.4 (MANE Select); coding-DNA position 1806, G replaced by C.
Protein change: p.Ser602=; no amino-acid change (serine 602 retained).
Molecular consequence: synonymous variant.
Genome position (GRCh38, 1-based): chr8:101,666,631, G>C. VCF-style: chr8-101666631-G-C. GRCh37 (hg19) VCF-style: chr8-102678859-G-C.
Other names: c.1758G>C, p.Ser586= (NM_001330593.2).
Identifiers: ClinVar variation 46217 (VCV000046217.18), dbSNP rs61732855, ClinGen allele CA137893.
Genomic context (GRCh38, chr8:101,666,631, plus strand): 5'-CTCCCCCCTCCATGGCAGCATCTTGGTGAACATGGATGACAACATCATCGAGCACTACTC[G>C]AACGAGGACACCTTCATCCTCAACATGGAGAGCATGGTGGAGGGCTTCAAGGTCACGCTC-3'
Protein context (NP_079191.2, residues 592-612): NMDDNIIEHY[Ser602=]NEDTFILNME